The following is an entry in ClinVar:

NM_001079855.2(GYG2):c.61G>A (p.Ala21Thr)

Gene: GYG2 (glycogenin 2; plus strand). Cytogenetic location: Xp22.33.
Variant type: single nucleotide variant.
Coding change: c.61G>A on transcript NM_001079855.2 (MANE Select); coding-DNA position 61, G replaced by A.
Protein change: p.Ala21Thr; replaces alanine 21 with threonine.
Molecular consequence: missense variant. On other transcripts: intron variant (1).
Genome position (GRCh38, 1-based): chrX:2,843,266, G>A. VCF-style: chrX-2843266-G-A. GRCh37 (hg19) VCF-style: chrX-2761307-G-A.
Other names: c.61G>A, p.Ala21Thr (NM_001184702.2); c.154G>A, p.Ala52Thr (NM_001184703.2, NM_003918.3); c.-316-10714G>A (NM_001184704.2); short protein forms A21T, A52T.
Identifiers: ClinVar variation 1315732 (VCV001315732.4), dbSNP rs769501754, ClinGen allele CA10336990.

ClinVar aggregate classification (germline): Conflicting classifications of pathogenicity. Review status: criteria provided, conflicting classifications (1 of 4 stars). 2 submissions from 2 submitters: Uncertain significance (1); Likely benign (1). Last evaluated 2021-09-01.

Allele frequency attached by ClinVar (database versions not stated): TOPMed 0.00004; gnomAD exomes 0.00006 and 0.00009; gnomAD 0.00007 and 0.00008; ExAC 0.00010.
gnomAD v4.1: 75 of 1,191,139 alleles (0.0063%); highest among the groups gnomAD compares: South Asian, 0.0053%; no homozygotes.

Submissions (2):

Ambry Genetics
Classification: Uncertain significance. Last evaluated: 2021-09-01. Review status: criteria provided, single submitter. Criteria: Ambry Variant Classification Scheme 2023. Collection method: clinical testing. Allele origin: germline.

GeneDx
Classification: Likely benign. Last evaluated: 2021-01-07. Review status: criteria provided, single submitter. Criteria: GeneDx Variant Classification Process June 2021. Collection method: clinical testing. Allele origin: germline. Affected: yes.
Comment: In silico analysis supports that this missense variant has a deleterious effect on protein structure/function; Has not been previously published as pathogenic or benign to our knowledge